The following is an entry in ClinVar:

ClinVar aggregate classification (germline): Uncertain significance (1 of 4 stars; one submission).

Conditions:
Early-infantile DEE. Also called: Early infantile epileptic encephalopathy; Early infantile epileptic encephalopathy with suppression bursts; Ohtahara syndrome. Identifiers: Orphanet 1934, MedGen C0393706, MONDO:0800491.

Submission:

Labcorp Genetics (formerly Invitae), Labcorp
Classification: Uncertain significance for Early-infantile DEE. Last evaluated: 2023-03-14. Review status: criteria provided, single submitter. Criteria: Invitae Variant Classification Sherloc (09022015). Collection method: clinical testing. Allele origin: germline.
Comment: In summary, the available evidence is currently insufficient to determine the role of this variant in disease. Therefore, it has been classified as a Variant of Uncertain Significance. This variant disrupts the Gly1728 amino acid residue in SCN1A. Other variant(s) that disrupt this residue have been determined to be pathogenic (PMID: 30619928; Invitae). This suggests that this residue is clinically significant, and that variants that disrupt this residue are likely to be disease-causing. Advanced modeling of protein sequence and biophysical properties (such as structural, functional, and spatial information, amino acid conservation, physicochemical variation, residue mobility, and thermodynamic stability) has been performed at Invitae for this missense variant, however the output from this modeling did not meet the statistical confidence thresholds required to predict the impact of this variant on SCN1A protein function. This variant has not been reported in the literature in individuals affected with SCN1A-related conditions. This variant is not present in population databases (gnomAD no frequency). This sequence change replaces glycine, which is neutral and non-polar, with alanine, which is neutral and non-polar, at codon 1728 of the SCN1A protein (p.Gly1728Ala).

Literature cited by the submitters: PubMed 30619928.

NM_001165963.4(SCN1A):c.5183G>C (p.Gly1728Ala)

Genes: SCN1A (sodium voltage-gated channel alpha subunit 1; minus strand), LOC102724058 (uncharacterized LOC102724058; plus strand). Cytogenetic location: 2q24.3.
Variant type: single nucleotide variant.
Coding change: c.5183G>C on transcript NM_001165963.4 (MANE Select); coding-DNA position 5183, G replaced by C.
Protein change: p.Gly1728Ala; replaces glycine 1728 with alanine.
Molecular consequence: missense variant. On other transcripts: non-coding transcript variant (1).
Genome position (GRCh38, 1-based): chr2:165,992,092, C>G on the plus strand (G>C on the coding strand, the complement: SCN1A is on the minus strand). VCF-style: chr2-165992092-C-G. GRCh37 (hg19) VCF-style: chr2-166848602-C-G.
Other names: c.5099G>C, p.Gly1700Ala (NM_001353958.2, NM_001165964.3, NM_001353957.2); c.5096G>C, p.Gly1699Ala (NM_001353960.2); c.2741G>C, p.Gly914Ala (NM_001353961.2); c.5150G>C, p.Gly1717Ala (NM_006920.6, NM_001353949.2, NM_001353950.2 and 2 more transcripts); c.5183G>C, p.Gly1728Ala (NM_001202435.3, NM_001353948.2); c.5147G>C, p.Gly1716Ala (NM_001353954.2, NM_001353955.2); short protein forms G1717A, G1700A, G1716A, G1699A, G1728A, G914A.
Identifiers: ClinVar variation 2845729 (VCV002845729.3), dbSNP rs2105431330, ClinGen allele CA349068734.